The following is an entry in ClinVar:

NM_032782.5(HAVCR2):c.577C>T (p.Arg193Trp)

Gene: HAVCR2 (hepatitis A virus cellular receptor 2; minus strand). Cytogenetic location: 5q33.3.
Variant type: single nucleotide variant.
Coding change: c.577C>T on transcript NM_032782.5 (MANE Select); coding-DNA position 577, C replaced by T.
Protein change: p.Arg193Trp; replaces arginine 193 with tryptophan.
Molecular consequence: missense variant.
Genome position (GRCh38, 1-based): chr5:157,095,405, G>A on the plus strand (C>T on the coding strand, the complement: HAVCR2 is on the minus strand). VCF-style: chr5-157095405-G-A. GRCh37 (hg19) VCF-style: chr5-156522416-G-A.
Other names: c.577C>T (NM_032782.3); short protein forms R193W.
Identifiers: ClinVar variation 3778175 (VCV003778175.7).

ClinVar aggregate classification (germline): Uncertain significance. Review status: criteria provided, multiple submitters, no conflicts (2 of 4 stars). 2 submissions from 2 submitters: Uncertain significance (2). Last evaluated 2025-10-02.

Submissions (2):

Ambry Genetics
Classification: Uncertain significance. Last evaluated: 2025-10-02. Review status: criteria provided, single submitter. Criteria: Ambry Variant Classification Scheme 2023. Collection method: clinical testing. Allele origin: germline.

CeGaT Center for Human Genetics Tuebingen
Classification: Uncertain significance. Last evaluated: 2025-03-01. Review status: criteria provided, single submitter. Criteria: CeGaT Center For Human Genetics Tuebingen Variant Classification Criteria Version 2. Collection method: clinical testing. Allele origin: germline. Affected: yes. Observed: 1 variant allele.
Comment: HAVCR2: PM2, BP4